The following is an entry in ClinVar:

NM_001378615.1(CC2D2A):c.2482C>T (p.Arg828Trp)

Genes: CC2D2A (coiled-coil and C2 domain containing 2A; plus strand), FBXL5 (F-box and leucine rich repeat protein 5; minus strand). Cytogenetic location: 4p15.32.
Variant type: single nucleotide variant.
Coding change: c.2482C>T on transcript NM_001378615.1 (MANE Select); coding-DNA position 2482, C replaced by T.
Protein change: p.Arg828Trp; replaces arginine 828 with tryptophan.
Molecular consequence: missense variant.
Genome position (GRCh38, 1-based): chr4:15,553,301, C>T. VCF-style: chr4-15553301-C-T. GRCh37 (hg19) VCF-style: chr4-15554924-C-T.
Other names: c.2482C>T, p.Arg828Trp (NM_001080522.2); c.2335C>T, p.Arg779Trp (NM_001378617.1); short protein forms R828W, R779W.
Identifiers: ClinVar variation 347837 (VCV000347837.14), dbSNP rs749997192, ClinGen allele CA10618152.

ClinVar aggregate classification (germline): Uncertain significance. Review status: criteria provided, multiple submitters, no conflicts (2 of 4 stars). 4 submissions from 3 submitters: Uncertain significance (4). Last evaluated 2022-08-14.

Conditions:
Meckel-Gruber syndrome. Also called: Dysencephalia splachnocystica; DYSENCEPHALIA SPLANCHNOCYSTICA; GRUBER SYNDROME. Identifiers: Orphanet 564, MedGen C0265215, MONDO:0018921.
Joubert syndrome. Also called: JOUBERT-BOLTSHAUSER SYNDROME; Familial aplasia of the vermis. Identifiers: Orphanet 475, MedGen C5979921, MONDO:0018772.
Joubert syndrome 9 (JBTS9). Identifiers: Orphanet 2318, MedGen C2676788, MONDO:0012849, OMIM 612285.
Meckel syndrome, type 6. Identifiers: Orphanet 564, MedGen C2676790, MONDO:0012848, OMIM 612284.

Allele frequency attached by ClinVar (database versions not stated): TOPMed 0.00005.
gnomAD v4.1: 23 of 1,611,884 alleles (0.0014%); highest among the groups gnomAD compares: African/African-American, 0.0053%; no homozygotes.

Submissions (4):

Labcorp Genetics (formerly Invitae), Labcorp
Classification: Uncertain significance for Joubert syndrome; Meckel-Gruber syndrome. Last evaluated: 2022-08-14. Review status: criteria provided, single submitter. Criteria: Invitae Variant Classification Sherloc (09022015). Collection method: clinical testing. Allele origin: germline.
Comment: This sequence change replaces arginine, which is basic and polar, with tryptophan, which is neutral and slightly polar, at codon 828 of the CC2D2A protein (p.Arg828Trp). The frequency data for this variant in the population databases is considered unreliable, as metrics indicate poor data quality at this position in the gnomAD database. This variant has not been reported in the literature in individuals affected with CC2D2A-related conditions. ClinVar contains an entry for this variant (Variation ID: 347837). Advanced modeling of protein sequence and biophysical properties (such as structural, functional, and spatial information, amino acid conservation, physicochemical variation, residue mobility, and thermodynamic stability) performed at Invitae indicates that this missense variant is not expected to disrupt CC2D2A protein function. In summary, the available evidence is currently insufficient to determine the role of this variant in disease. Therefore, it has been classified as a Variant of Uncertain Significance.

Illumina Laboratory Services, Illumina
Classification: Uncertain significance for Joubert syndrome 9. Last evaluated: 2018-01-13. Review status: criteria provided, single submitter. Criteria: ICSL Variant Classification Criteria 13 December 2019. Collection method: clinical testing. Allele origin: germline.

Illumina Laboratory Services, Illumina
Classification: Uncertain significance for Meckel syndrome, type 6. Last evaluated: 2018-01-13. Review status: criteria provided, single submitter. Criteria: ICSL Variant Classification Criteria 13 December 2019. Collection method: clinical testing. Allele origin: germline.

Eurofins Ntd Llc (ga)
Classification: Uncertain significance. Last evaluated: 2016-10-07. Review status: criteria provided, single submitter. Criteria: EGL Classification Definitions 2015. Collection method: clinical testing. Allele origin: germline. Observed: 1 variant allele, 1 heterozygote.